The following is an entry in ClinVar:

NM_001060.6(TBXA2R):c.786+5G>A

Gene: TBXA2R (thromboxane A2 receptor; minus strand). Cytogenetic location: 19p13.3.
Variant type: single nucleotide variant.
Coding change: c.786+5G>A on transcript NM_001060.6 (MANE Select); 5 bases into the intron after coding-DNA position 786, G replaced by A.
Molecular consequence: intron variant.
Genome position (GRCh38, 1-based): chr19:3,599,844, C>T on the plus strand (G>A on the coding strand, the complement: TBXA2R is on the minus strand). VCF-style: chr19-3599844-C-T. GRCh37 (hg19) VCF-style: chr19-3599842-C-T.
Other names: c.786+5G>A (NM_201636.3).
Identifiers: ClinVar variation 1703800 (VCV001703800.1), dbSNP rs2512442255, ClinGen allele CA2580096154.

ClinVar aggregate classification (germline): Uncertain significance (1 of 4 stars; one submission).

Conditions:
Bleeding disorder, platelet-type, 13, susceptibility to (BDPLT13). Also called: BLEEDING DISORDER, SUSCEPTIBILITY TO, DUE TO DEFECTIVE PLATELET THROMBOXANE A2 RECEPTOR. Identifiers: MedGen C3279614, MONDO:0800447, OMIM 614009.

Allele frequency attached by ClinVar (database versions not stated): gnomAD exomes below 0.00001.
gnomAD v4.1: 3 of 1,548,966 alleles (0.00019%); highest among the groups gnomAD compares: Non-Finnish European, 0.00026%; no homozygotes.

Submission:

ISTH-SSC Genomics in Thrombosis and Hemostasis, KU Leuven, Center for Molecular and Vascular Biology
Classification: Uncertain significance for Bleeding disorder, platelet-type, 13, susceptibility to. Review status: criteria provided, single submitter. Criteria: ACMG Guidelines, 2015. Collection method: clinical testing. Allele origin: germline. Affected: yes. Observed: 1 compound heterozygote.
Comment: Submitted to GoldVariant by Kathleen Freson, Center for Molecular and Vascular Biology, Leuven, Belgium